The following is an entry in ClinVar:

ClinVar aggregate classification (germline): Uncertain significance. Review status: criteria provided, multiple submitters, no conflicts (2 of 4 stars). 2 submissions from 2 submitters: Uncertain significance (2). Last evaluated 2023-01-11.

Conditions:
Epilepsy, idiopathic generalized, susceptibility to, 10. Identifiers: MedGen C2751603, MONDO:0013103, OMIM 613060.
Idiopathic generalized epilepsy. Also called: EIG; Generalised epilepsy. Identifiers: MedGen C0270850, MONDO:0005579, OMIM 600669.

Allele frequency attached by ClinVar (database versions not stated): TOPMed below 0.00001.
gnomAD v4.1: 12 of 1,612,600 alleles (0.00074%); highest among the groups gnomAD compares: African/African-American, 0.0013%; no homozygotes.

Submissions (2):

Labcorp Genetics (formerly Invitae), Labcorp
Classification: Uncertain significance for Idiopathic generalized epilepsy. Last evaluated: 2023-01-11. Review status: criteria provided, single submitter. Criteria: Invitae Variant Classification Sherloc (09022015). Collection method: clinical testing. Allele origin: germline.
Comment: In summary, the available evidence is currently insufficient to determine the role of this variant in disease. Therefore, it has been classified as a Variant of Uncertain Significance. Algorithms developed to predict the effect of sequence changes on RNA splicing suggest that this variant may disrupt the consensus splice site. Algorithms developed to predict the effect of missense changes on protein structure and function are either unavailable or do not agree on the potential impact of this missense change (SIFT: "Deleterious"; PolyPhen-2: "Benign"; Align-GVGD: "Class C0"). ClinVar contains an entry for this variant (Variation ID: 1341917). This variant has not been reported in the literature in individuals affected with GABRD-related conditions. This variant is not present in population databases (gnomAD no frequency). This sequence change replaces glutamine, which is neutral and polar, with arginine, which is basic and polar, at codon 372 of the GABRD protein (p.Gln372Arg).

New York Genome Center
Classification: Uncertain significance for Epilepsy, idiopathic generalized, susceptibility to, 10. Last evaluated: 2020-06-12. Review status: criteria provided, single submitter. Criteria: NYGC Assertion Criteria 2020. Collection method: clinical testing. Allele origin: germline. Observed: 1 heterozygote. Study: CSER-NYCKidSeq.

NM_000815.5(GABRD):c.1115A>G (p.Gln372Arg)

Gene: GABRD (gamma-aminobutyric acid type A receptor subunit delta; plus strand). Cytogenetic location: 1p36.33.
Variant type: single nucleotide variant.
Coding change: c.1115A>G on transcript NM_000815.5 (MANE Select); coding-DNA position 1115, A replaced by G.
Protein change: p.Gln372Arg; replaces glutamine 372 with arginine.
Molecular consequence: missense variant.
Genome position (GRCh38, 1-based): chr1:2,030,038, A>G. VCF-style: chr1-2030038-A-G. GRCh37 (hg19) VCF-style: chr1-1961477-A-G.
Other names: short protein forms Q372R.
Identifiers: ClinVar variation 1341917 (VCV001341917.4), dbSNP rs1659040935, ClinGen allele CA337960497.